The following is an entry in ClinVar:

NM_138477.4(CDAN1):c.3584T>C (p.Leu1195Pro)

Gene: CDAN1 (codanin 1; minus strand). Cytogenetic location: 15q15.2.
Variant type: single nucleotide variant.
Coding change: c.3584T>C on transcript NM_138477.4 (MANE Select); coding-DNA position 3584, T replaced by C.
Protein change: p.Leu1195Pro; replaces leucine 1195 with proline.
Molecular consequence: missense variant.
Genome position (GRCh38, 1-based): chr15:42,724,591, A>G on the plus strand (T>C on the coding strand, the complement: CDAN1 is on the minus strand). VCF-style: chr15-42724591-A-G. GRCh37 (hg19) VCF-style: chr15-43016789-A-G.
Other names: short protein forms L1195P.
Identifiers: ClinVar variation 2888404 (VCV002888404.11), dbSNP rs1460194406, ClinGen allele CA392025271.

ClinVar aggregate classification (germline): Conflicting classifications of pathogenicity. Review status: criteria provided, conflicting classifications (1 of 4 stars). 2 submissions from 2 submitters: Likely pathogenic (1); Uncertain significance (1). Last evaluated 2025-08-01.

Allele frequency attached by ClinVar (database versions not stated): gnomAD exomes below 0.00001; gnomAD 0.00001.
gnomAD v4.1: 4 of 1,552,168 alleles (0.00026%); highest among the groups gnomAD compares: Admixed American, 0.002%; no homozygotes.

Submissions (2):

CeGaT Center for Human Genetics Tuebingen
Classification: Likely pathogenic. Last evaluated: 2025-08-01. Review status: criteria provided, single submitter. Criteria: CeGaT Center For Human Genetics Tuebingen Variant Classification Criteria Version 2. Collection method: clinical testing. Allele origin: germline. Affected: yes. Observed: 1 variant allele.
Comment: CDAN1: PM3:Strong, PM2

Labcorp Genetics (formerly Invitae), Labcorp
Classification: Uncertain significance. Last evaluated: 2023-07-19. Review status: criteria provided, single submitter. Criteria: Invitae Variant Classification Sherloc (09022015). Collection method: clinical testing. Allele origin: germline.
Comment: In summary, the available evidence is currently insufficient to determine the role of this variant in disease. Therefore, it has been classified as a Variant of Uncertain Significance. An algorithm developed to predict the effect of missense changes on protein structure and function (PolyPhen-2) suggests that this variant is likely to be disruptive. This variant has not been reported in the literature in individuals affected with CDAN1-related conditions. This variant is present in population databases (no rsID available, gnomAD 0.002%). This sequence change replaces leucine, which is neutral and non-polar, with proline, which is neutral and non-polar, at codon 1195 of the CDAN1 protein (p.Leu1195Pro).